The following is an entry in ClinVar:

NM_005120.3(MED12):c.1379T>C (p.Leu460Ser)

Genes: MED12 (mediator complex subunit 12; plus strand), LOC126863275 (BRD4-independent group 4 enhancer GRCh37_chrX:70342400-70343599; plus strand). Cytogenetic location: Xq13.1.
Variant type: single nucleotide variant.
Coding change: c.1379T>C on transcript NM_005120.3 (MANE Select); coding-DNA position 1379, T replaced by C.
Protein change: p.Leu460Ser; replaces leucine 460 with serine.
Molecular consequence: missense variant.
Genome position (GRCh38, 1-based): chrX:71,122,768, T>C. VCF-style: chrX-71122768-T-C. GRCh37 (hg19) VCF-style: chrX-70342618-T-C.
Other names: short protein forms L460S.
Identifiers: ClinVar variation 1098332 (VCV001098332.2), dbSNP rs2147785143, ClinGen allele CA413506417.

ClinVar aggregate classification (germline): Likely pathogenic (1 of 4 stars; one submission).

Submission:

Genetics Laboratory, UDIAT-Centre Diagnòstic, Hospital Universitari Parc Tauli
Classification: Likely pathogenic. Last evaluated: 2021-04-26. Review status: criteria provided, single submitter. Criteria: Parc Tauli Hospital Assertion Criteria 2021. Collection method: clinical testing. Allele origin: de novo. Inheritance: X-linked inheritance. Affected: yes. Observed: 1 hemizygote.
Comment: PM2_supporting;PM6_moderate;PP2_supporting;PP3_supporting